The following is an entry in ClinVar:

ClinVar aggregate classification (germline): Uncertain significance. Review status: criteria provided, multiple submitters, no conflicts (2 of 4 stars). 2 submissions from 2 submitters: Uncertain significance (2). Last evaluated 2023-05-05.

Conditions:
Hereditary cancer-predisposing syndrome. Also called: Neoplastic Syndromes, Hereditary; Hereditary Cancer Syndrome; Tumor predisposition; Hereditary neoplastic syndrome. Identifiers: Orphanet 140162, MedGen C0027672, MeSH D009386, MONDO:0015356.

gnomAD v4.1: 11 of 1,613,854 alleles (0.00068%); highest among the groups gnomAD compares: Non-Finnish European, 0.00093%; no homozygotes.

Submissions (2):

Ambry Genetics
Classification: Uncertain significance for Hereditary cancer-predisposing syndrome. Last evaluated: 2023-05-05. Review status: criteria provided, single submitter. Criteria: Ambry Variant Classification Scheme 2023. Collection method: clinical testing. Allele origin: germline.
Comment: The p.A459G variant (also known as c.1376C>G), located in coding exon 9 of the CTNNA1 gene, results from a C to G substitution at nucleotide position 1376. The alanine at codon 459 is replaced by glycine, an amino acid with similar properties. This amino acid position is conserved. In addition, this alteration is predicted to be tolerated by in silico analysis. Since supporting evidence is limited at this time, the clinical significance of this alteration remains unclear.

Labcorp Genetics (formerly Invitae), Labcorp
Classification: Uncertain significance. Last evaluated: 2022-09-10. Review status: criteria provided, single submitter. Criteria: Invitae Variant Classification Sherloc (09022015). Collection method: clinical testing. Allele origin: germline.
Comment: This sequence change replaces alanine, which is neutral and non-polar, with glycine, which is neutral and non-polar, at codon 459 of the CTNNA1 protein (p.Ala459Gly). This variant is not present in population databases (gnomAD no frequency). This variant has not been reported in the literature in individuals affected with CTNNA1-related conditions. Advanced modeling of protein sequence and biophysical properties (such as structural, functional, and spatial information, amino acid conservation, physicochemical variation, residue mobility, and thermodynamic stability) performed at Invitae indicates that this missense variant is not expected to disrupt CTNNA1 protein function. In summary, the available evidence is currently insufficient to determine the role of this variant in disease. Therefore, it has been classified as a Variant of Uncertain Significance.

NM_001903.5(CTNNA1):c.1376C>G (p.Ala459Gly)

Gene: CTNNA1 (catenin alpha 1; plus strand). Cytogenetic location: 5q31.2.
Variant type: single nucleotide variant.
Coding change: c.1376C>G on transcript NM_001903.5 (MANE Select); coding-DNA position 1376, C replaced by G.
Protein change: p.Ala459Gly; replaces alanine 459 with glycine.
Molecular consequence: missense variant. On other transcripts: 5 prime UTR variant (4), intron variant (3).
Genome position (GRCh38, 1-based): chr5:138,904,428, C>G. VCF-style: chr5-138904428-C-G. GRCh37 (hg19) VCF-style: chr5-138240117-C-G.
Other names: c.1376C>G, p.Ala459Gly (NM_001290307.3, NM_001323982.2, NM_001323983.1 and 2 more transcripts); c.1067C>G, p.Ala356Gly (NM_001290309.3); c.1007C>G, p.Ala336Gly (NM_001290310.3); c.266C>G, p.Ala89Gly (NM_001290312.1, NM_001323987.1, NM_001323988.1 and 17 more transcripts); c.-132C>G (NM_001324006.1, NM_001324007.1, NM_001324008.1 and 1 more transcripts); c.23C>G, p.Ala8Gly (NM_001324012.1, NM_001324013.1); c.1297-13314C>G (NM_001323986.2); c.187-13314C>G (NM_001324011.1); and 2 more; short protein forms A336G, A356G, A89G, A8G, A459G.
Identifiers: ClinVar variation 2072080 (VCV002072080.6), dbSNP rs1758724020, ClinGen allele CA361136031.
Genomic context (GRCh38, chr5:138,904,428, plus strand): 5'-CCATCTCAAATAATGAAGAAGGTGTAAAGCTTGTTCGAATGTCTGCAAGCCAGTTAGAAG[C>G]CCTCTGTCCTCAGGTAAAGTACAACTGACACTGGTGACAGCATAACCAAATTAAATTTTG-3'
Protein context (NP_001894.2, residues 449-469): LVRMSASQLE[Ala459Gly]LCPQVINAAL